The following is an entry in ClinVar:

ClinVar aggregate classification (germline): Uncertain significance. Review status: criteria provided, multiple submitters, no conflicts (2 of 4 stars). 2 submissions from 2 submitters: Uncertain significance (2). Last evaluated 2020-10-23.

Conditions:
Hereditary cancer-predisposing syndrome. Also called: Hereditary neoplastic syndrome; Neoplastic Syndromes, Hereditary; Tumor predisposition; Hereditary Cancer Syndrome. Identifiers: Orphanet 140162, MedGen C0027672, MeSH D009386, MONDO:0015356.
Microcephaly, normal intelligence and immunodeficiency (NBS). Also called: Nijmegen breakage syndrome; Microcephaly with normal intelligence immunodeficiency and lymphoreticular malignancies; Nonsyndromal microcephaly autosomal recessive with normal intelligence; Seemanova syndrome 2; Ataxia telangiectasia variant V1; SEEMANOVA SYNDROME II. Identifiers: Orphanet 647, MedGen C0398791, MONDO:0009623, OMIM 251260.

Submissions (2):

Labcorp Genetics (formerly Invitae), Labcorp
Classification: Uncertain significance for Microcephaly, normal intelligence and immunodeficiency. Last evaluated: 2020-10-23. Review status: criteria provided, single submitter. Criteria: Invitae Variant Classification Sherloc (09022015). Collection method: clinical testing. Allele origin: germline.
Comment: This sequence change falls in intron 1 of the NBN gene. It does not directly change the encoded amino acid sequence of the NBN protein. It affects a nucleotide within the consensus splice site of the intron. This variant is not present in population databases (ExAC no frequency). This variant has not been reported in the literature in individuals with NBN-related conditions. Nucleotide substitutions within the consensus splice site are a relatively common cause of aberrant splicing (PMID: 17576681, 9536098). Algorithms developed to predict the effect of sequence changes on RNA splicing suggest that this variant may disrupt the consensus splice site, but this prediction has not been confirmed by published transcriptional studies. In summary, the available evidence is currently insufficient to determine the role of this variant in disease. Therefore, it has been classified as a Variant of Uncertain Significance.

Ambry Genetics
Classification: Uncertain significance for Hereditary cancer-predisposing syndrome. Last evaluated: 2020-02-11. Review status: criteria provided, single submitter. Criteria: Ambry Variant Classification Scheme 2023. Collection method: clinical testing. Allele origin: germline.
Comment: The c.37+5G>T intronic alteration consists of a G to T substitution nucleotides after coding exon 1 in the NBN gene. Based on insufficient or conflicting evidence, the clinical significance of this alteration remains unclear.

Literature cited by the submitters: PubMed 17576681 (cited by Labcorp Genetics (formerly Invitae), Labcorp); PubMed 9536098 (cited by Labcorp Genetics (formerly Invitae), Labcorp).

NM_002485.5(NBN):c.37+5G>T

Gene: NBN (nibrin; minus strand). Cytogenetic location: 8q21.3.
Variant type: single nucleotide variant.
Coding change: c.37+5G>T on transcript NM_002485.5 (MANE Select); 5 bases into the intron after coding-DNA position 37, G replaced by T.
Molecular consequence: intron variant.
Genome position (GRCh38, 1-based): chr8:89,984,520, C>A on the plus strand (G>T on the coding strand, the complement: NBN is on the minus strand). VCF-style: chr8-89984520-C-A. GRCh37 (hg19) VCF-style: chr8-90996748-C-A.
Other names: c.-260+5G>T (NM_001024688.3); c.37+5G>T (NM_002485.4).
Identifiers: ClinVar variation 1043857 (VCV001043857.4), dbSNP rs116735828, ClinGen allele CA1801471059.